The following is an entry in ClinVar:

ClinVar aggregate classification (germline): Pathogenic/Likely pathogenic. Review status: criteria provided, multiple submitters, no conflicts (2 of 4 stars). 2 submissions from 2 submitters: Pathogenic (1); Likely pathogenic (1). Last evaluated 2025-05-28.

Conditions:
NPHS2-related disorder. Also called: NPHS2-related condition.

Allele frequency attached by ClinVar (database versions not stated): gnomAD exomes below 0.00001.
gnomAD v4.1: 1 of 1,609,472 alleles (0.000062%); highest among the groups gnomAD compares: Admixed American, 0.0017%; no homozygotes.

Submissions (2):

PreventionGenetics, part of Exact Sciences
Classification: Likely pathogenic for NPHS2-related condition. Last evaluated: 2025-05-28. Review status: criteria provided, single submitter. Criteria: ACMG Guidelines, 2015. Collection method: clinical testing. Allele origin: germline.
Comment: The NPHS2 c.388G>T variant is predicted to result in premature protein termination (p.Glu130*). To our knowledge, this variant has not been reported in the literature. This variant is reported in 0.0029% of alleles in individuals of Latino descent in gnomAD. Nonsense variants in NPHS2 are expected to be pathogenic. This variant is interpreted as likely pathogenic.

Labcorp Genetics (formerly Invitae), Labcorp
Classification: Pathogenic. Last evaluated: 2025-03-23. Review status: criteria provided, single submitter. Criteria: Invitae Variant Classification Sherloc (09022015). Collection method: clinical testing. Allele origin: germline.
Comment: This sequence change creates a premature translational stop signal (p.Glu130*) in the NPHS2 gene. It is expected to result in an absent or disrupted protein product. Loss-of-function variants in NPHS2 are known to be pathogenic (PMID: 10742096, 14701729, 15253708, 23595123). This variant is present in population databases (no rsID available, gnomAD 0.003%). This variant has not been reported in the literature in individuals affected with NPHS2-related conditions. ClinVar contains an entry for this variant (Variation ID: 2023790). Algorithms developed to predict the effect of sequence changes on RNA splicing suggest that this variant may disrupt the consensus splice site. For these reasons, this variant has been classified as Pathogenic.

Literature cited by the submitters: PubMed 10742096 (cited by Labcorp Genetics (formerly Invitae), Labcorp); PubMed 14701729 (cited by Labcorp Genetics (formerly Invitae), Labcorp); PubMed 15253708 (cited by Labcorp Genetics (formerly Invitae), Labcorp); PubMed 23595123 (cited by Labcorp Genetics (formerly Invitae), Labcorp).

NM_014625.4(NPHS2):c.388G>T (p.Glu130Ter)

Gene: NPHS2 (NPHS2 stomatin family member, podocin; minus strand). Cytogenetic location: 1q25.2.
Variant type: single nucleotide variant.
Coding change: c.388G>T on transcript NM_014625.4 (MANE Select); coding-DNA position 388, G replaced by T.
Protein change: p.Glu130Ter; replaces glutamic acid 130 with a stop codon.
Molecular consequence: nonsense.
Genome position (GRCh38, 1-based): chr1:179,561,352, C>A on the plus strand (G>T on the coding strand, the complement: NPHS2 is on the minus strand). VCF-style: chr1-179561352-C-A. GRCh37 (hg19) VCF-style: chr1-179530487-C-A.
Other names: c.388G>T, p.Glu130Ter (NM_001297575.2); short protein forms E130*.
Identifiers: ClinVar variation 2023790 (VCV002023790.5), dbSNP rs1469863276, ClinGen allele CA343569917.
Genomic context (GRCh38, chr1:179,561,352, plus strand): 5'-GGCCTTTGGCTCTTCCAGGAAGCAGATGTCCCAGTCGGAATATAATTACTCTTTCATACT[C>A]TTGTACAACCTAAAGAGAAATTTAATCCTTTCAAATCACTCCCAGAAAGAAAAAGTCTTC-3'